The following is an entry in ClinVar:

NM_005198.5(CHKB):c.1037C>T (p.Ala346Val)

Genes: CHKB (choline kinase beta; minus strand), CHKB-CPT1B (CHKB-CPT1B readthrough (NMD candidate); minus strand). Cytogenetic location: 22q13.33.
Variant type: single nucleotide variant.
Coding change: c.1037C>T on transcript NM_005198.5 (MANE Select); coding-DNA position 1037, C replaced by T.
Protein change: p.Ala346Val; replaces alanine 346 with valine.
Molecular consequence: missense variant. On other transcripts: non-coding transcript variant (1).
Genome position (GRCh38, 1-based): chr22:50,579,502, G>A on the plus strand (C>T on the coding strand, the complement: CHKB is on the minus strand). VCF-style: chr22-50579502-G-A. GRCh37 (hg19) VCF-style: chr22-51017931-G-A.
Other names: short protein forms A346V.
Identifiers: ClinVar variation 899479 (VCV000899479.7), dbSNP rs772616505, ClinGen allele CA10323508.

ClinVar aggregate classification (germline): Uncertain significance. Review status: criteria provided, multiple submitters, no conflicts (2 of 4 stars). 3 submissions from 3 submitters: Uncertain significance (3). Last evaluated 2026-09-02.

Conditions:
Inborn genetic diseases. Identifiers: MedGen C0950123, MeSH D030342.
Megaconial type congenital muscular dystrophy (MDCMC). Also called: CHKB-Related Muscle Diseases; MUSCULAR DYSTROPHY, CONGENITAL, WITH MITOCHONDRIAL STRUCTURAL ABNORMALITIES; CHKB-Related Muscular Dystrophy. Identifiers: Orphanet 280671, MedGen C1865233, MONDO:0011246, OMIM 602541.

Allele frequency attached by ClinVar (database versions not stated): gnomAD 0.00005 and 0.00006; ExAC 0.00002; gnomAD exomes 0.00002 and 0.00003; TOPMed 0.00003.

Submissions (3):

Ambry Genetics
Classification: Uncertain significance for Inborn genetic diseases. Last evaluated: 2026-09-02. Review status: criteria provided, single submitter. Criteria: Ambry Variant Classification Scheme 2023. Collection method: clinical testing. Allele origin: germline.
Comment: The c.1037C>T (p.A346V) alteration is located in exon 10 (coding exon 10) of the CHKB gene. This alteration results from a C to T substitution at nucleotide position 1037, causing the alanine (A) at amino acid position 346 to be replaced by a valine (V). Based on data from gnomAD, the T allele has an overall frequency of 0.003% (7/247064) total alleles studied. The highest observed frequency was 0.03% (3/10002) of Ashkenazi Jewish alleles. Based on insufficient or conflicting evidence, the clinical significance of this alteration remains unclear.

Labcorp Genetics (formerly Invitae), Labcorp
Classification: Uncertain significance for Megaconial type congenital muscular dystrophy. Last evaluated: 2023-08-30. Review status: criteria provided, single submitter. Criteria: Invitae Variant Classification Sherloc (09022015). Collection method: clinical testing. Allele origin: germline.
Comment: In summary, the available evidence is currently insufficient to determine the role of this variant in disease. Therefore, it has been classified as a Variant of Uncertain Significance. Advanced modeling of protein sequence and biophysical properties (such as structural, functional, and spatial information, amino acid conservation, physicochemical variation, residue mobility, and thermodynamic stability) performed at Invitae indicates that this missense variant is not expected to disrupt CHKB protein function. ClinVar contains an entry for this variant (Variation ID: 899479). This variant has not been reported in the literature in individuals affected with CHKB-related conditions. This variant is present in population databases (rs772616505, gnomAD 0.03%). This sequence change replaces alanine, which is neutral and non-polar, with valine, which is neutral and non-polar, at codon 346 of the CHKB protein (p.Ala346Val).

Illumina Laboratory Services, Illumina
Classification: Uncertain significance for Megaconial type congenital muscular dystrophy. Last evaluated: 2018-01-13. Review status: criteria provided, single submitter. Criteria: ICSL Variant Classification Criteria 13 December 2019. Collection method: clinical testing. Allele origin: germline.